The following is an entry in ClinVar:

NM_001182.5(ALDH7A1):c.848G>A (p.Gly283Asp)

Gene: ALDH7A1 (aldehyde dehydrogenase 7 family member A1; minus strand). Cytogenetic location: 5q23.2.
Variant type: single nucleotide variant.
Coding change: c.848G>A on transcript NM_001182.5 (MANE Select); coding-DNA position 848, G replaced by A.
Protein change: p.Gly283Asp; replaces glycine 283 with aspartic acid.
Molecular consequence: missense variant.
Genome position (GRCh38, 1-based): chr5:126,568,282, C>T on the plus strand (G>A on the coding strand, the complement: ALDH7A1 is on the minus strand). VCF-style: chr5-126568282-C-T. GRCh37 (hg19) VCF-style: chr5-125903974-C-T.
Other names: c.764G>A, p.Gly255Asp (NM_001201377.2); c.848G>A, p.Gly283Asp (NM_001202404.2); short protein forms G283D, G255D.
Identifiers: ClinVar variation 962244 (VCV000962244.11), dbSNP rs1181991285, ClinGen allele CA360729236.

ClinVar aggregate classification (germline): Conflicting classifications of pathogenicity. Review status: criteria provided, conflicting classifications (1 of 4 stars). 2 submissions from 2 submitters: Likely pathogenic (1); Uncertain significance (1). Last evaluated 2025-09-04.

Conditions:
Pyridoxine-dependent epilepsy (EPEO4). Also called: PYRIDOXINE DEPENDENCY WITH SEIZURES; Pyridoxine-Dependent Epilepsy - ALDH7A1; EPILEPSY, EARLY-ONSET, 4, VITAMIN B6-DEPENDENT; Pyridoxine-Dependent Seizures. Identifiers: Orphanet 3006, MedGen C1849508, MONDO:0009945, OMIM 266100. Disease mechanism: loss of function.

Allele frequency attached by ClinVar (database versions not stated): gnomAD exomes below 0.00001.
gnomAD v4.1: 1 of 1,614,158 alleles (0.000062%); highest among the groups gnomAD compares: Admixed American, 0.0017%; no homozygotes.

Submissions (2):

Women's Health and Genetics/Laboratory Corporation of America, LabCorp
Classification: Likely pathogenic for Pyridoxine-dependent epilepsy. Last evaluated: 2025-09-04. Review status: criteria provided, single submitter. Criteria: LabCorp Variant Classification Summary - May 2015. Collection method: clinical testing. Allele origin: germline.
Comment: Variant summary: ALDH7A1 c.848G>A (p.Gly283Asp) results in a non-conservative amino acid change in the encoded protein sequence. Algorithms developed to predict the effect of missense changes on protein structure and function all suggest that this variant is likely to be disruptive. The variant allele was found at a frequency of 4e-06 in 251480 control chromosomes. c.848G>A has been observed in at least one individual affected with Pyridoxine-Dependent Epilepsy (e.g. Bennett_2009). At least one publication reports experimental evidence evaluating an impact on protein function and found that variant was catalytically inactive and impaired the formation of a stable tetramer (Korasick_2017). The following publications have been ascertained in the context of this evaluation (PMID: 19128417, 30043187, 28087462). ClinVar contains an entry for this variant (Variation ID: 962244). Based on the evidence outlined above, the variant was classified as likely pathogenic.

Labcorp Genetics (formerly Invitae), Labcorp
Classification: Uncertain significance for Pyridoxine-dependent epilepsy. Last evaluated: 2025-09-02. Review status: criteria provided, single submitter. Criteria: Invitae Variant Classification Sherloc (09022015). Collection method: clinical testing. Allele origin: germline.
Comment: This sequence change replaces glycine, which is neutral and non-polar, with aspartic acid, which is acidic and polar, at codon 283 of the ALDH7A1 protein (p.Gly283Asp). This variant is present in population databases (no rsID available, gnomAD 0.003%). This missense change has been observed in individual(s) with pyridoxine-dependent seizures (PMID: 19128417). This variant is also known as G255D. ClinVar contains an entry for this variant (Variation ID: 962244). Invitae Evidence Modeling of protein sequence and biophysical properties (such as structural, functional, and spatial information, amino acid conservation, physicochemical variation, residue mobility, and thermodynamic stability) has been performed for this missense variant. However, the output from this modeling did not meet the statistical confidence thresholds required to predict the impact of this variant on ALDH7A1 protein function. Experimental studies have shown that this missense change affects ALDH7A1 function (PMID: 28087462). In summary, the available evidence is currently insufficient to determine the role of this variant in disease. Therefore, it has been classified as a Variant of Uncertain Significance.

Literature cited by the submitters: PubMed 19128417 (cited by Women's Health and Genetics/Laboratory Corporation of America, LabCorp and Labcorp Genetics (formerly Invitae), Labcorp); PubMed 30043187 (cited by Women's Health and Genetics/Laboratory Corporation of America, LabCorp); PubMed 28087462 (cited by Women's Health and Genetics/Laboratory Corporation of America, LabCorp and Labcorp Genetics (formerly Invitae), Labcorp).